The following is an entry in ClinVar:

NM_001384474.1(LOXHD1):c.6406G>A (p.Glu2136Lys)

Gene: LOXHD1 (lipoxygenase homology PLAT domains 1; minus strand). Cytogenetic location: 18q21.1.
Variant type: single nucleotide variant.
Coding change: c.6406G>A on transcript NM_001384474.1 (MANE Select); coding-DNA position 6406, G replaced by A.
Protein change: p.Glu2136Lys; replaces glutamic acid 2136 with lysine.
Molecular consequence: missense variant.
Genome position (GRCh38, 1-based): chr18:46,477,888, C>T on the plus strand (G>A on the coding strand, the complement: LOXHD1 is on the minus strand). VCF-style: chr18-46477888-C-T. GRCh37 (hg19) VCF-style: chr18-44057851-C-T.
Other names: c.3073G>A, p.Glu1025Lys (NM_001145472.3); c.1123G>A, p.Glu375Lys (NM_001145473.3, NM_001173129.2); c.2785G>A, p.Glu929Lys (NM_001308013.2); c.6220G>A, p.Glu2074Lys (NM_144612.7); c.6220G>A (NM_144612.6); short protein forms E375K, E929K, E1025K, E2074K, E2136K.
Identifiers: ClinVar variation 2062233 (VCV002062233.2), dbSNP rs766184517, ClinGen allele CA8952046.

ClinVar aggregate classification (germline): Uncertain significance. Review status: criteria provided, multiple submitters, no conflicts (2 of 4 stars). 2 submissions from 2 submitters: Uncertain significance (2). Last evaluated 2023-12-07.

Conditions:
Inborn genetic diseases. Identifiers: MedGen C0950123, MeSH D030342.

Allele frequency attached by ClinVar (database versions not stated): gnomAD exomes 0.00002; TOPMed 0.00002; gnomAD 0.00004; ExAC 0.00005.
gnomAD v4.1: 39 of 1,551,624 alleles (0.0025%); highest among the groups gnomAD compares: Middle Eastern, 0.033%; no homozygotes.

Submissions (2):

Ambry Genetics
Classification: Uncertain significance for Inborn genetic diseases. Last evaluated: 2023-12-07. Review status: criteria provided, single submitter. Criteria: Ambry Variant Classification Scheme 2023. Collection method: clinical testing. Allele origin: germline.

Labcorp Genetics (formerly Invitae), Labcorp
Classification: Uncertain significance. Last evaluated: 2021-09-17. Review status: criteria provided, single submitter. Criteria: Invitae Variant Classification Sherloc (09022015). Collection method: clinical testing. Allele origin: germline.
Comment: This sequence change replaces glutamic acid with lysine at codon 2074 of the LOXHD1 protein (p.Glu2074Lys). The glutamic acid residue is moderately conserved and there is a small physicochemical difference between glutamic acid and lysine. This variant is present in population databases (rs766184517, ExAC 0.01%). This variant has been observed in individual(s) with deafness (Invitae). Algorithms developed to predict the effect of missense changes on protein structure and function are either unavailable or do not agree on the potential impact of this missense change (SIFT: "Deleterious"; PolyPhen-2: "Benign"; Align-GVGD: "Class C0"). In summary, the available evidence is currently insufficient to determine the role of this variant in disease. Therefore, it has been classified as a Variant of Uncertain Significance.